The following is an entry in ClinVar:

ClinVar aggregate classification (germline): Uncertain significance (1 of 4 stars; one submission).

Submission:

GeneDx
Classification: Uncertain significance. Last evaluated: 2025-07-29. Review status: criteria provided, single submitter. Criteria: GeneDx Variant Classification Process June 2021. Collection method: clinical testing. Allele origin: germline. Affected: yes.
Comment: In silico analysis suggests that this missense variant does not alter protein structure/function; Has not been previously published as pathogenic or benign to our knowledge

NM_003458.4(BSN):c.8051T>C (p.Val2684Ala)

Gene: BSN (bassoon presynaptic cytomatrix protein; plus strand). Cytogenetic location: 3p21.31.
Variant type: single nucleotide variant.
Coding change: c.8051T>C on transcript NM_003458.4 (MANE Select); coding-DNA position 8051, T replaced by C.
Protein change: p.Val2684Ala; replaces valine 2684 with alanine.
Molecular consequence: missense variant.
Genome position (GRCh38, 1-based): chr3:49,657,607, T>C. VCF-style: chr3-49657607-T-C. GRCh37 (hg19) VCF-style: chr3-49695040-T-C.
Other names: short protein forms V2684A.
Identifiers: ClinVar variation 4690054 (VCV004690054.1).